The following is an entry in ClinVar:

ClinVar aggregate classification (germline): Benign/Likely benign. Review status: criteria provided, multiple submitters, no conflicts (2 of 4 stars). 4 submissions from 4 submitters: Benign (1); Likely benign (3). Last evaluated 2026-05-21.

Conditions:
Hereditary cancer-predisposing syndrome. Also called: Hereditary neoplastic syndrome; Neoplastic Syndromes, Hereditary; Hereditary Cancer Syndrome; Tumor predisposition. Identifiers: Orphanet 140162, MedGen C0027672, MeSH D009386, MONDO:0015356.
Cardiovascular phenotype. Identifiers: MedGen CN230736.
Neurofibromatosis, type 1 (NF1). Also called: Peripheral type neurofibromatosis; Neurofibromatosis, type I; VON RECKLINGHAUSEN DISEASE; NEUROFIBROMATOSIS, TYPE I, SOMATIC. Identifiers: Orphanet 636, MedGen C0027831, MONDO:0018975, OMIM 162200. Disease mechanism: loss of function.

Allele frequency attached by ClinVar (database versions not stated): TOPMed 0.00003; gnomAD exomes below 0.00001; gnomAD 0.00001; ExAC 0.00001.
gnomAD v4.1: 24 of 1,614,032 alleles (0.0015%); highest among the groups gnomAD compares: Non-Finnish European, 0.0019%; no homozygotes.

Submissions (4):

Myriad Genetics, Inc.
Classification: Benign for Neurofibromatosis, type 1. Last evaluated: 2026-05-21. Review status: criteria provided, single submitter. Criteria: Myriad Autosomal Dominant, Autosomal Recessive and X-Linked Classification Criteria (2023). Collection method: clinical testing. Allele origin: unknown.
Comment: This variant is considered benign. This variant is a silent/synonymous amino acid change and it is not expected to impact splicing.

Labcorp Genetics (formerly Invitae), Labcorp
Classification: Likely benign for Neurofibromatosis, type 1. Last evaluated: 2026-02-02. Review status: criteria provided, single submitter. Criteria: Invitae Variant Classification Sherloc (09022015). Collection method: clinical testing. Allele origin: germline.

Genome-Nilou Lab
Classification: Likely benign for Neurofibromatosis, type 1. Last evaluated: 2022-03-15. Review status: criteria provided, single submitter. Criteria: ACMG Guidelines, 2015. Collection method: clinical testing. Allele origin: germline. Affected: no.

Ambry Genetics
Classification: Likely benign for Cardiovascular phenotype; Hereditary cancer-predisposing syndrome. Last evaluated: 2016-04-26. Review status: criteria provided, single submitter. Criteria: Ambry Variant Classification Scheme 2023. Collection method: clinical testing. Allele origin: germline.

NM_001042492.3(NF1):c.6945C>G (p.Leu2315=)

Gene: NF1 (neurofibromin 1; plus strand). Cytogenetic location: 17q11.2.
Variant type: single nucleotide variant.
Coding change: c.6945C>G on transcript NM_001042492.3 (MANE Select); coding-DNA position 6945, C replaced by G.
Protein change: p.Leu2315=; no amino-acid change (leucine 2315 retained).
Molecular consequence: synonymous variant.
Genome position (GRCh38, 1-based): chr17:31,340,528, C>G. VCF-style: chr17-31340528-C-G. GRCh37 (hg19) VCF-style: chr17-29667546-C-G.
Other names: c.6882C>G, p.Leu2294= (NM_000267.4).
Identifiers: ClinVar variation 457812 (VCV000457812.54), dbSNP rs751893971, ClinGen allele CA8487468.
Genomic context (GRCh38, chr17:31,340,528, plus strand): 5'-TTCATCTTACTAGCCTCAAACATATCTTCTTTGCCAGGACTCGCCTCTGCACAAAGCCCT[C>G]TTTTGGGTAGCTGTGGCTGTGCTGCAGCTTGATGAGGTCAACTTGTATTCAGCAGGTACC-3'
Protein context (NP_001035957.1, residues 2305-2325): LNKDSPLHKA[Leu2315=]FWVAVAVLQL